The following is an entry in ClinVar:

NM_152641.4(ARID2):c.4945G>C (p.Val1649Leu)

Gene: ARID2 (AT-rich interaction domain 2; plus strand). Cytogenetic location: 12q12.
Variant type: single nucleotide variant.
Coding change: c.4945G>C on transcript NM_152641.4 (MANE Select); coding-DNA position 4945, G replaced by C.
Protein change: p.Val1649Leu; replaces valine 1649 with leucine.
Molecular consequence: missense variant.
Genome position (GRCh38, 1-based): chr12:45,891,802, G>C. VCF-style: chr12-45891802-G-C. GRCh37 (hg19) VCF-style: chr12-46285585-G-C.
Other names: c.4945G>C, p.Val1649Leu (NM_001347839.2); short protein forms V1649L.
Identifiers: ClinVar variation 133572 (VCV000133572.29), dbSNP rs201268655, ClinGen allele CA156972.

ClinVar aggregate classification (germline): Benign/Likely benign. Review status: criteria provided, multiple submitters, no conflicts (2 of 4 stars). 3 submissions from 3 submitters: Benign (1); Likely benign (1). 1 of the submissions does not count toward it. Last evaluated 2026-08-01.

Allele frequency attached by ClinVar (database versions not stated): TOPMed 0.00040; gnomAD 0.00046 and 0.00036; gnomAD exomes 0.00068 and 0.00109; 1000 Genomes Project 30x 0.00078; 1000 Genomes Project 0.00100; ExAC 0.00134; ESP Exome Variant Server 0.00015.
gnomAD v4.1: 1,074 of 1,614,112 alleles (0.067%); highest among the groups gnomAD compares: South Asian, 0.5%; 9 homozygotes.

Submissions (3):

CeGaT Center for Human Genetics Tuebingen
Classification: Likely benign. Last evaluated: 2026-08-01. Review status: criteria provided, single submitter. Criteria: CeGaT Center For Human Genetics Tuebingen Variant Classification Criteria Version 2. Collection method: clinical testing. Allele origin: germline. Affected: yes. Observed: 4 variant alleles.
Comment: ARID2: PP2, BS1

Labcorp Genetics (formerly Invitae), Labcorp
Classification: Benign. Last evaluated: 2019-12-31. Review status: criteria provided, single submitter. Criteria: Invitae Variant Classification Sherloc (09022015). Collection method: clinical testing. Allele origin: germline.

ITMI
No classification provided. Condition: AllHighlyPenetrant. Last evaluated: 2013-09-19. Review status: no classification provided. Collection method: reference population. Allele origin: germline. Not counted in ClinVar's aggregate classification.
Comment: Please see associated publication for description of ethnicities

Literature cited by the submitters: PubMed 24728327 (cited by ITMI).